The following is an entry in ClinVar:

ClinVar aggregate classification (germline): Uncertain significance (1 of 4 stars; one submission).

Conditions:
Cardiovascular phenotype. Identifiers: MedGen CN230736.

Submission:

Ambry Genetics
Classification: Uncertain significance for Cardiovascular phenotype. Last evaluated: 2020-10-16. Review status: criteria provided, single submitter. Criteria: Ambry Variant Classification Scheme 2023. Collection method: clinical testing. Allele origin: germline.
Comment: The p.V882M variant (also known as c.2644G>A), located in coding exon 5 of the TNXB gene, results from a G to A substitution at nucleotide position 2644. The valine at codon 882 is replaced by methionine, an amino acid with highly similar properties. This amino acid position is well conserved in available vertebrate species. In addition, this alteration is predicted to be tolerated by in silico analysis. Since supporting evidence is limited at this time, the clinical significance of this alteration remains unclear.

NM_001365276.2(TNXB):c.2644G>A (p.Val882Met)

Gene: TNXB (tenascin XB; minus strand). Cytogenetic location: 6p21.33.
Variant type: single nucleotide variant.
Coding change: c.2644G>A on transcript NM_001365276.2 (MANE Select); coding-DNA position 2644, G replaced by A.
Protein change: p.Val882Met; replaces valine 882 with methionine.
Molecular consequence: missense variant.
Genome position (GRCh38, 1-based): chr6:32,088,920, C>T on the plus strand (G>A on the coding strand, the complement: TNXB is on the minus strand). VCF-style: chr6-32088920-C-T. GRCh37 (hg19) VCF-style: chr6-32056697-C-T.
Other names: c.2644G>A, p.Val882Met (NM_019105.8); short protein forms V882M.
Identifiers: ClinVar variation 1794231 (VCV001794231.2), dbSNP rs2483719807, ClinGen allele CA363460936.